The following is an entry in ClinVar:

ClinVar aggregate classification (germline): Uncertain significance (1 of 4 stars; one submission).

gnomAD v4.1: 2 of 1,614,200 alleles (0.00012%); highest among the groups gnomAD compares: East Asian, 0.0022%; no homozygotes.

Submission:

Labcorp Genetics (formerly Invitae), Labcorp
Classification: Uncertain significance. Last evaluated: 2021-04-01. Review status: criteria provided, single submitter. Criteria: Invitae Variant Classification Sherloc (09022015). Collection method: clinical testing. Allele origin: germline.
Comment: In summary, the available evidence is currently insufficient to determine the role of this variant in disease. Therefore, it has been classified as a Variant of Uncertain Significance. Advanced modeling of protein sequence and biophysical properties (such as structural, functional, and spatial information, amino acid conservation, physicochemical variation, residue mobility, and thermodynamic stability) performed at Invitae indicates that this missense variant is not expected to disrupt MYO15A protein function. This variant has not been reported in the literature in individuals with MYO15A-related conditions. This variant is not present in population databases (ExAC no frequency). This sequence change replaces leucine with isoleucine at codon 3055 of the MYO15A protein (p.Leu3055Ile). The leucine residue is highly conserved and there is a small physicochemical difference between leucine and isoleucine.

NM_016239.4(MYO15A):c.9163C>A (p.Leu3055Ile)

Gene: MYO15A (myosin XVA; plus strand). Cytogenetic location: 17p11.2.
Variant type: single nucleotide variant.
Coding change: c.9163C>A on transcript NM_016239.4 (MANE Select); coding-DNA position 9163, C replaced by A.
Protein change: p.Leu3055Ile; replaces leucine 3055 with isoleucine.
Molecular consequence: missense variant.
Genome position (GRCh38, 1-based): chr17:18,159,281, C>A. VCF-style: chr17-18159281-C-A. GRCh37 (hg19) VCF-style: chr17-18062595-C-A.
Other names: short protein forms L3055I.
Identifiers: ClinVar variation 1462979 (VCV001462979.8), dbSNP rs2142393163, ClinGen allele CA398633636.